The following is an entry in ClinVar:

NM_001377.3(DYNC2H1):c.378G>A (p.Trp126Ter)

Gene: DYNC2H1 (dynein cytoplasmic 2 heavy chain 1; plus strand). Cytogenetic location: 11q22.3.
Variant type: single nucleotide variant.
Coding change: c.378G>A on transcript NM_001377.3 (MANE Select); coding-DNA position 378, G replaced by A.
Protein change: p.Trp126Ter; replaces tryptophan 126 with a stop codon.
Molecular consequence: nonsense.
Genome position (GRCh38, 1-based): chr11:103,114,114, G>A. VCF-style: chr11-103114114-G-A. GRCh37 (hg19) VCF-style: chr11-102984843-G-A.
Other names: c.378G>A, p.Trp126Ter (NM_001080463.2); short protein forms W126*.
Identifiers: ClinVar variation 5015966 (VCV005015966.1).

ClinVar aggregate classification (germline): Pathogenic (1 of 4 stars; one submission).

Conditions:
Asphyxiating thoracic dystrophy 3. Also called: SHORT-RIB THORACIC DYSPLASIA 3 WITH OR WITHOUT POLYDACTYLY; POLYDACTYLY WITH NEONATAL CHONDRODYSTROPHY, TYPE I; SHORT-RIB THORACIC DYSPLASIA 3/6 WITH POLYDACTYLY, DIGENIC; Short rib polydactyly syndrome 2B; Saldino-Noonan Syndrome. Identifiers: Orphanet 474, Orphanet 93269, Orphanet 93270, Orphanet 93271, MedGen C0036069, MONDO:0013127, OMIM 613091.

Submission:

Myriad Genetics, Inc.
Classification: Pathogenic for Asphyxiating thoracic dystrophy 3. Last evaluated: 2026-05-29. Review status: criteria provided, single submitter. Criteria: Myriad Autosomal Dominant, Autosomal Recessive and X-Linked Classification Criteria (2023). Collection method: clinical testing. Allele origin: unknown.
Comment: NM_001377.2(DYNC2H1):c.378G>A(W126*) is expected to be pathogenic in the context of DYNC2H1-related disorders. This variant is predicted to lead to an abnormal or absent protein product due to the creation of a premature termination codon in DYNC2H1, a gene where loss-of-function variants are known to be pathogenic. Please note: this variant was assessed in the context of healthy population screening.